The following is an entry in ClinVar:

ClinVar aggregate classification (germline): Uncertain significance (1 of 4 stars; one submission).

Conditions:
Autosomal recessive severe congenital neutropenia due to CSF3R deficiency. Also called: Neutropenia, severe congenital, 7, autosomal recessive. Identifiers: Orphanet 420702, MedGen C4310764, MONDO:0014865, OMIM 617014.

Submission:

Labcorp Genetics (formerly Invitae), Labcorp
Classification: Uncertain significance for Autosomal recessive severe congenital neutropenia due to CSF3R deficiency. Last evaluated: 2022-07-19. Review status: criteria provided, single submitter. Criteria: Invitae Variant Classification Sherloc (09022015). Collection method: clinical testing. Allele origin: germline.
Comment: In summary, the available evidence is currently insufficient to determine the role of this variant in disease. Therefore, it has been classified as a Variant of Uncertain Significance. Algorithms developed to predict the effect of missense changes on protein structure and function (SIFT, PolyPhen-2, Align-GVGD) all suggest that this variant is likely to be tolerated. ClinVar contains an entry for this variant (Variation ID: 1370057). This variant has not been reported in the literature in individuals affected with CSF3R-related conditions. This variant is not present in population databases (gnomAD no frequency). This sequence change replaces glycine, which is neutral and non-polar, with alanine, which is neutral and non-polar, at codon 21 of the CSF3R protein (p.Gly21Ala).

NM_000760.4(CSF3R):c.62G>C (p.Gly21Ala)

Gene: CSF3R (colony stimulating factor 3 receptor; minus strand). Cytogenetic location: 1p34.3.
Variant type: single nucleotide variant.
Coding change: c.62G>C on transcript NM_000760.4 (MANE Select); coding-DNA position 62, G replaced by C.
Protein change: p.Gly21Ala; replaces glycine 21 with alanine.
Molecular consequence: missense variant.
Genome position (GRCh38, 1-based): chr1:36,479,435, C>G on the plus strand (G>C on the coding strand, the complement: CSF3R is on the minus strand). VCF-style: chr1-36479435-C-G. GRCh37 (hg19) VCF-style: chr1-36945036-C-G.
Other names: c.62G>C, p.Gly21Ala (NM_156039.3, NM_172313.3); short protein forms G21A.
Identifiers: ClinVar variation 1370057 (VCV001370057.6), dbSNP rs2124152542, ClinGen allele CA339425289.